The following is an entry in ClinVar:

ClinVar aggregate classification (germline): Uncertain significance. Review status: criteria provided, multiple submitters, no conflicts (2 of 4 stars). 2 submissions from 2 submitters: Uncertain significance (2). Last evaluated 2023-10-04.

Conditions:
Long QT syndrome (LQTS). Identifiers: MedGen C0023976, MeSH D008133, MONDO:0002442. Disease mechanism: loss of function. Inheritance: Various modes of inheritance.

Allele frequency attached by ClinVar (database versions not stated): ExAC 0.00001.
gnomAD v4.1: 17 of 1,613,532 alleles (0.0011%); highest among the groups gnomAD compares: Non-Finnish European, 0.0014%; no homozygotes.

Submissions (2):

Labcorp Genetics (formerly Invitae), Labcorp
Classification: Uncertain significance for Long QT syndrome. Last evaluated: 2023-10-04. Review status: criteria provided, single submitter. Criteria: Invitae Variant Classification Sherloc (09022015). Collection method: clinical testing. Allele origin: germline.
Comment: This sequence change replaces glutamine, which is neutral and polar, with lysine, which is basic and polar, at codon 766 of the CACNA1C protein (p.Gln766Lys). The frequency data for this variant in the population databases is considered unreliable, as metrics indicate poor data quality at this position in the gnomAD database. This variant has not been reported in the literature in individuals affected with CACNA1C-related conditions. ClinVar contains an entry for this variant (Variation ID: 2502001). Advanced modeling of protein sequence and biophysical properties (such as structural, functional, and spatial information, amino acid conservation, physicochemical variation, residue mobility, and thermodynamic stability) performed at Invitae indicates that this missense variant is not expected to disrupt CACNA1C protein function. In summary, the available evidence is currently insufficient to determine the role of this variant in disease. Therefore, it has been classified as a Variant of Uncertain Significance.

GeneDx
Classification: Uncertain significance. Last evaluated: 2022-11-09. Review status: criteria provided, single submitter. Criteria: GeneDx Variant Classification Process June 2021. Collection method: clinical testing. Allele origin: germline. Affected: yes.
Comment: Has not been previously published as pathogenic or benign to our knowledge; Not observed at significant frequency in large population cohorts (gnomAD); In silico analysis supports that this missense variant has a deleterious effect on protein structure/function

NM_000719.7(CACNA1C):c.2296C>A (p.Gln766Lys)

Gene: CACNA1C (calcium voltage-gated channel subunit alpha1 C; plus strand). Cytogenetic location: 12p13.33.
Variant type: single nucleotide variant.
Coding change: c.2296C>A on transcript NM_000719.7 (MANE Select); coding-DNA position 2296, C replaced by A.
Protein change: p.Gln766Lys; replaces glutamine 766 with lysine.
Molecular consequence: missense variant.
Genome position (GRCh38, 1-based): chr12:2,584,574, C>A. VCF-style: chr12-2584574-C-A. GRCh37 (hg19) VCF-style: chr12-2693740-C-A.
Other names: c.2296C>A, p.Gln766Lys (NM_001167624.3, NM_001167625.2, NM_199460.4 and 18 more transcripts); c.2287C>A, p.Gln763Lys (NM_001129844.2); short protein forms Q763K, Q766K.
Identifiers: ClinVar variation 2502001 (VCV002502001.4), dbSNP rs756756255, ClinGen allele CA6388936.
Genomic context (GRCh38, chr12:2,584,574, plus strand): 5'-AATGTGTTCTTGGCCATTGCTGTGGACAACCTGGCTGATGCTGAGAGCCTCACATCTGCC[C>A]AAAAGGAGGAGGAAGAGGAGAAGGAGAGAAAGAAGCTGGCCAGGTAACCCTCTAAGCTTG-3'
Protein context (NP_000710.5, residues 756-776): LADAESLTSA[Gln766Lys]KEEEEEKERK